The following is an entry in ClinVar:

ClinVar aggregate classification (germline): Uncertain significance. Review status: criteria provided, multiple submitters, no conflicts (2 of 4 stars). 2 submissions from 2 submitters: Uncertain significance (2). Last evaluated 2025-01-20.

Conditions:
Age related macular degeneration 9. Identifiers: MedGen C1969651, MONDO:0012659, OMIM 611378.
Atypical hemolytic-uremic syndrome with C3 anomaly. Also called: AHUS, SUSCEPTIBILITY TO, 5. Identifiers: Orphanet 2134, MedGen C2752037, MONDO:0013043, OMIM 612925.
Complement component 3 deficiency. Identifiers: Orphanet 280133, MedGen C3151071, MONDO:0013417, OMIM 613779.

gnomAD v4.1: 3 of 1,613,792 alleles (0.00019%); highest among the groups gnomAD compares: Non-Finnish European, 0.00025%; no homozygotes.

Submissions (2):

Dasa
Classification: Uncertain significance. Last evaluated: 2025-01-20. Review status: criteria provided, single submitter. Criteria: DASA Assertion Criteria. Collection method: clinical testing. Allele origin: germline.
Comment: NM_000064.4(C3):c.869G>A (p.Arg290His) is a missense variant that results in the substitution of arginine with histidine. This variant is rare in population databases. Computational prediction algorithms are consistent with a benign effect. The currently available literature and clinical evidence are not sufficient to establish a definitive association between this variant and the reported condition. Therefore, this variant is classified as a variant of uncertain significance.

Fulgent Genetics
Classification: Uncertain significance for Age related macular degeneration 9; Atypical hemolytic-uremic syndrome with C3 anomaly; Complement component 3 deficiency. Last evaluated: 2024-06-03. Review status: criteria provided, single submitter. Criteria: ACMG Guidelines, 2015. Collection method: clinical testing. Allele origin: germline.

NM_000064.4(C3):c.869G>A (p.Arg290His)

Gene: C3 (complement C3; minus strand). Cytogenetic location: 19p13.3.
Variant type: single nucleotide variant.
Coding change: c.869G>A on transcript NM_000064.4 (MANE Select); coding-DNA position 869, G replaced by A.
Protein change: p.Arg290His; replaces arginine 290 with histidine.
Molecular consequence: missense variant.
Genome position (GRCh38, 1-based): chr19:6,713,414, C>T on the plus strand (G>A on the coding strand, the complement: C3 is on the minus strand). VCF-style: chr19-6713414-C-T. GRCh37 (hg19) VCF-style: chr19-6713425-C-T.
Other names: short protein forms R290H.
Identifiers: ClinVar variation 3584180 (VCV003584180.3).